The following is an entry in ClinVar:

NM_001903.5(CTNNA1):c.1704C>T (p.Tyr568=)

Gene: CTNNA1 (catenin alpha 1; plus strand). Cytogenetic location: 5q31.2.
Variant type: single nucleotide variant.
Coding change: c.1704C>T on transcript NM_001903.5 (MANE Select); coding-DNA position 1704, C replaced by T.
Protein change: p.Tyr568=; no amino-acid change (tyrosine 568 retained).
Molecular consequence: synonymous variant.
Genome position (GRCh38, 1-based): chr5:138,924,667, C>T. VCF-style: chr5-138924667-C-T. GRCh37 (hg19) VCF-style: chr5-138260356-C-T.
Other names: c.1704C>T, p.Tyr568= (NM_001290307.3, NM_001323982.2, NM_001323983.1 and 2 more transcripts); c.1395C>T, p.Tyr465= (NM_001290309.3); c.1335C>T, p.Tyr445= (NM_001290310.3); c.594C>T, p.Tyr198= (NM_001290312.1, NM_001323987.1, NM_001323988.1 and 17 more transcripts); c.1611C>T, p.Tyr537= (NM_001323986.2); c.255C>T, p.Tyr85= (NM_001324006.1, NM_001324007.1, NM_001324008.1 and 2 more transcripts); c.501C>T, p.Tyr167= (NM_001324011.1); c.351C>T, p.Tyr117= (NM_001324012.1, NM_001324013.1).
Identifiers: ClinVar variation 698359 (VCV000698359.14), dbSNP rs1003632942, ClinGen allele CA128217058.

ClinVar aggregate classification (germline): Benign/Likely benign. Review status: criteria provided, multiple submitters, no conflicts (2 of 4 stars). 3 submissions from 3 submitters: Benign (1); Likely benign (2). Last evaluated 2025-08-29.

Conditions:
Hereditary diffuse gastric adenocarcinoma (HDGC). Also called: DIFFUSE GASTRIC AND LOBULAR BREAST CANCER SYNDROME. Identifiers: Orphanet 26106, MedGen C1708349, MONDO:0007648, OMIM 137215.
Hereditary cancer-predisposing syndrome. Also called: Tumor predisposition; Hereditary neoplastic syndrome; Hereditary Cancer Syndrome; Neoplastic Syndromes, Hereditary. Identifiers: Orphanet 140162, MedGen C0027672, MeSH D009386, MONDO:0015356.

Allele frequency attached by ClinVar (database versions not stated): gnomAD 0.00005.

Submissions (3):

Labcorp Genetics (formerly Invitae), Labcorp
Classification: Likely benign. Last evaluated: 2025-08-29. Review status: criteria provided, single submitter. Criteria: Invitae Variant Classification Sherloc (09022015). Collection method: clinical testing. Allele origin: germline.

Myriad Genetics, Inc.
Classification: Benign for Hereditary diffuse gastric adenocarcinoma. Last evaluated: 2024-10-11. Review status: criteria provided, single submitter. Criteria: Myriad Autosomal Dominant, Autosomal Recessive and X-Linked Classification Criteria (2023). Collection method: clinical testing. Allele origin: unknown.
Comment: This variant is considered benign. This variant is a silent/synonymous amino acid change and it is not expected to impact splicing.

Ambry Genetics
Classification: Likely benign for Hereditary cancer-predisposing syndrome. Last evaluated: 2020-10-25. Review status: criteria provided, single submitter. Criteria: Ambry Variant Classification Scheme 2023. Collection method: clinical testing. Allele origin: germline.